The following is an entry in ClinVar:

NM_016026.4(RDH11):c.949A>G (p.Ile317Val)

Genes: GPHN (gephyrin; plus strand), RDH11 (retinol dehydrogenase 11; minus strand). Cytogenetic location: 14q24.1.
Variant type: single nucleotide variant.
Coding change: c.949A>G on transcript NM_016026.4 (MANE Select); coding-DNA position 949, A replaced by G.
Protein change: p.Ile317Val; replaces isoleucine 317 with valine.
Molecular consequence: missense variant.
Genome position (GRCh38, 1-based): chr14:67,678,329, T>C on the plus strand (A>G on the coding strand, the complement: RDH11 is on the minus strand). VCF-style: chr14-67678329-T-C. GRCh37 (hg19) VCF-style: chr14-68145046-T-C.
Other names: c.739A>G, p.Ile247Val (NM_001252650.2); short protein forms I317V, I247V.
Identifiers: ClinVar variation 1043733 (VCV001043733.8), dbSNP rs1056168098, ClinGen allele CA262790717.

ClinVar aggregate classification (germline): Uncertain significance (1 of 4 stars; one submission).

Allele frequency attached by ClinVar (database versions not stated): gnomAD 0.00001; gnomAD exomes 0.00001; TOPMed 0.00001.
gnomAD v4.1: 10 of 1,610,226 alleles (0.00062%); highest among the groups gnomAD compares: Non-Finnish European, 0.00085%; no homozygotes.

Submission:

Labcorp Genetics (formerly Invitae), Labcorp
Classification: Uncertain significance. Last evaluated: 2020-08-05. Review status: criteria provided, single submitter. Criteria: Invitae Variant Classification Sherloc (09022015). Collection method: clinical testing. Allele origin: germline.
Comment: This sequence change replaces isoleucine with valine at codon 317 of the RDH11 protein (p.Ile317Val). The isoleucine residue is weakly conserved and there is a small physicochemical difference between isoleucine and valine. This variant is not present in population databases (ExAC no frequency). This variant has not been reported in the literature in individuals with RDH11-related conditions. Algorithms developed to predict the effect of missense changes on protein structure and function output the following: SIFT: "Tolerated"; PolyPhen-2: "Benign"; Align-GVGD: "Class C0". The valine amino acid residue is found in multiple mammalian species, suggesting that this missense change does not adversely affect protein function. These predictions have not been confirmed by published functional studies and their clinical significance is uncertain. Algorithms developed to predict the effect of sequence changes on RNA splicing suggest that this variant may create or strengthen a splice site, but this prediction has not been confirmed by published transcriptional studies. In summary, the available evidence is currently insufficient to determine the role of this variant in disease. Therefore, it has been classified as a Variant of Uncertain Significance.